The following is an entry in ClinVar:

ClinVar aggregate classification (germline): Uncertain significance (1 of 4 stars; one submission).

Conditions:
Cohen syndrome (COH1). Also called: Cutis verticis gyrata, retinitis pigmentosa, and sensorineural deafness; PEPPER SYNDROME. Identifiers: Orphanet 193, MedGen C0265223, MONDO:0008999, OMIM 216550.

Submission:

Labcorp Genetics (formerly Invitae), Labcorp
Classification: Uncertain significance for Cohen syndrome. Last evaluated: 2022-11-08. Review status: criteria provided, single submitter. Criteria: Invitae Variant Classification Sherloc (09022015). Collection method: clinical testing. Allele origin: germline.
Comment: This sequence change replaces asparagine, which is neutral and polar, with threonine, which is neutral and polar, at codon 3581 of the VPS13B protein (p.Asn3581Thr). This variant is not present in population databases (gnomAD no frequency). This variant has not been reported in the literature in individuals affected with VPS13B-related conditions. Advanced modeling of protein sequence and biophysical properties (such as structural, functional, and spatial information, amino acid conservation, physicochemical variation, residue mobility, and thermodynamic stability) performed at Invitae indicates that this missense variant is not expected to disrupt VPS13B protein function. In summary, the available evidence is currently insufficient to determine the role of this variant in disease. Therefore, it has been classified as a Variant of Uncertain Significance.

NM_152564.5(VPS13B):c.10667A>C (p.Asn3556Thr)

Gene: VPS13B (vacuolar protein sorting 13 homolog B; plus strand). Cytogenetic location: 8q22.2.
Variant type: single nucleotide variant.
Coding change: c.10667A>C on transcript NM_152564.5 (MANE Select); coding-DNA position 10667, A replaced by C.
Protein change: p.Asn3556Thr; replaces asparagine 3556 with threonine.
Molecular consequence: missense variant.
Genome position (GRCh38, 1-based): chr8:99,854,056, A>C. VCF-style: chr8-99854056-A-C. GRCh37 (hg19) VCF-style: chr8-100866284-A-C.
Other names: c.10742A>C, p.Asn3581Thr (NM_017890.5); short protein forms N3581T, N3556T.
Identifiers: ClinVar variation 2094224 (VCV002094224.4), dbSNP rs2492240015, ClinGen allele CA371785080.